The following is an entry in ClinVar:

ClinVar aggregate classification (germline): Benign/Likely benign. Review status: criteria provided, multiple submitters, no conflicts (2 of 4 stars). 10 submissions from 10 submitters: Benign (7); Likely benign (1). 2 of the submissions do not count toward it. Last evaluated 2026-02-04.

Conditions:
Primary ciliary dyskinesia. Also called: Ciliary dyskinesia. Identifiers: Orphanet 244, MedGen C0008780, MONDO:0016575, HP:0012265.
Primary ciliary dyskinesia 3. Identifiers: Orphanet 244, MedGen C1837618, MONDO:0012085, OMIM 608644.

Allele frequency attached by ClinVar (database versions not stated): gnomAD exomes 0.37050 and 0.38445; ExAC 0.38555; ESP Exome Variant Server 0.39559; gnomAD 0.39814 and 0.39914; TOPMed 0.41125; 1000 Genomes Project 30x 0.44066; 1000 Genomes Project 0.44349.
gnomAD v4.1: 602,253 of 1,612,558 alleles (37%); highest among the groups gnomAD compares: East Asian, 57%; 114,252 homozygotes.

Submissions (10):

Labcorp Genetics (formerly Invitae), Labcorp
Classification: Benign for Primary ciliary dyskinesia. Last evaluated: 2026-02-04. Review status: criteria provided, single submitter. Criteria: Invitae Variant Classification Sherloc (09022015). Collection method: clinical testing. Allele origin: germline.

Blueprint Genetics
Classification: Likely benign. Last evaluated: 2024-11-26. Review status: criteria provided, single submitter. Criteria: ACMG Guidelines, 2015. Collection method: clinical testing. Allele origin: germline.

Pars Genome Lab
Classification: Benign for Primary ciliary dyskinesia 3. Last evaluated: 2021-06-15. Review status: criteria provided, single submitter. Criteria: ACMG Guidelines, 2015. Collection method: clinical testing. Allele origin: germline. Affected: no.

GeneDx
Classification: Benign. Last evaluated: 2018-11-11. Review status: criteria provided, single submitter. Criteria: GeneDx Variant Classification Process June 2021. Collection method: clinical testing. Allele origin: germline. Affected: yes.

Illumina Laboratory Services, Illumina
Classification: Benign for Primary ciliary dyskinesia 3. Last evaluated: 2018-01-12. Review status: criteria provided, single submitter. Criteria: ICSL Variant Classification Criteria 13 December 2019. Collection method: clinical testing. Allele origin: germline.
Comment: This variant was observed in the ICSL laboratory as part of a predisposition screen in an ostensibly healthy population. It had not been previously curated by ICSL or reported in the Human Gene Mutation Database (HGMD: prior to June 1st, 2018), and was therefore a candidate for classification through an automated scoring system. Utilizing variant allele frequency, disease prevalence and penetrance estimates, and inheritance mode, an automated score was calculated to assess if this variant is too frequent to cause the disease. Based on the score and internal cut-off values, a variant classified as benign is not then subjected to further curation. The score for this variant resulted in a classification of benign for this disease.

Laboratory for Molecular Medicine, Mass General Brigham Personalized Medicine
Classification: Benign. Last evaluated: 2013-02-21. Review status: criteria provided, single submitter. Criteria: LMM Criteria. Collection method: clinical testing. Allele origin: germline. Observed: 70 variant alleles.
Comment: 6444+11C>T in intron 38 of DNAH5: This variant is not expected to have clinical significance because it is not located within the conserved splice consensus seq uence. It has been identified in 45.6% (2009/4406) of African American chromosom es from a broad population by the NHLBI Exome Sequencing Project (.; dbSNP rs1348691).

Breakthrough Genomics
Classification: Benign. Review status: criteria provided, single submitter. Criteria: ACMG Guidelines, 2015. Collection method: not provided. Allele origin: germline. Inheritance: Autosomal recessive inheritance. Affected: yes.

PreventionGenetics, part of Exact Sciences
Classification: Benign. Review status: criteria provided, single submitter. Criteria: ACMG Guidelines, 2015. Collection method: clinical testing. Allele origin: germline.

Clinical Genetics DNA and cytogenetics Diagnostics Lab, Erasmus MC, Erasmus Medical Center
Classification: Benign. Review status: no assertion criteria provided. Collection method: clinical testing. Allele origin: germline. Affected: yes. Study: VKGL Data-share Consensus. Not counted in ClinVar's aggregate classification.

Diagnostic Laboratory, Department of Genetics, University Medical Center Groningen
Classification: Benign. Review status: no assertion criteria provided. Collection method: clinical testing. Allele origin: germline. Affected: yes. Study: VKGL Data-share Consensus. Not counted in ClinVar's aggregate classification.

NM_001369.3(DNAH5):c.6444+11C>T

Gene: DNAH5 (dynein axonemal heavy chain 5; minus strand). Cytogenetic location: 5p15.2.
Variant type: single nucleotide variant.
Coding change: c.6444+11C>T on transcript NM_001369.3 (MANE Select); 11 bases into the intron after coding-DNA position 6444, C replaced by T.
Molecular consequence: intron variant.
Genome position (GRCh38, 1-based): chr5:13,829,499, G>A on the plus strand (C>T on the coding strand, the complement: DNAH5 is on the minus strand). VCF-style: chr5-13829499-G-A. GRCh37 (hg19) VCF-style: chr5-13829608-G-A.
Identifiers: ClinVar variation 163144 (VCV000163144.27), dbSNP rs1348691, ClinGen allele CA175786.